The following is an entry in ClinVar:

ClinVar aggregate classification (germline): Uncertain significance (1 of 4 stars; one submission).

Submission:

Labcorp Genetics (formerly Invitae), Labcorp
Classification: Uncertain significance. Last evaluated: 2025-08-25. Review status: criteria provided, single submitter. Criteria: Invitae Variant Classification Sherloc (09022015). Collection method: clinical testing. Allele origin: germline.
Comment: This sequence change replaces asparagine, which is neutral and polar, with serine, which is neutral and polar, at codon 257 of the NAF1 protein (p.Asn257Ser). This variant is present in population databases (rs755722249, gnomAD 0.03%). This variant has not been reported in the literature in individuals affected with NAF1-related conditions. An algorithm developed to predict the effect of missense changes on protein structure and function outputs the following: PolyPhen-2: "Possibly Damaging". The serine amino acid residue is found in multiple mammalian species, which suggests that this missense change does not adversely affect protein function. In summary, the available evidence is currently insufficient to determine the role of this variant in disease. Therefore, it has been classified as a Variant of Uncertain Significance.

NM_138386.3(NAF1):c.770A>G (p.Asn257Ser)

Gene: NAF1 (nuclear assembly factor 1 ribonucleoprotein; minus strand). Cytogenetic location: 4q32.2.
Variant type: single nucleotide variant.
Coding change: c.770A>G on transcript NM_138386.3 (MANE Select); coding-DNA position 770, A replaced by G.
Protein change: p.Asn257Ser; replaces asparagine 257 with serine.
Molecular consequence: missense variant.
Genome position (GRCh38, 1-based): chr4:163,140,331, T>C on the plus strand (A>G on the coding strand, the complement: NAF1 is on the minus strand). VCF-style: chr4-163140331-T-C. GRCh37 (hg19) VCF-style: chr4-164061483-T-C.
Other names: c.770A>G, p.Asn257Ser (NM_001128931.2); short protein forms N257S.
Identifiers: ClinVar variation 4781942 (VCV004781942.1).